The following is an entry in ClinVar:

ClinVar aggregate classification (germline): Uncertain significance (1 of 4 stars; one submission).

Conditions:
Inborn genetic diseases. Identifiers: MedGen C0950123, MeSH D030342.

gnomAD v4.1: 20 of 1,610,856 alleles (0.0012%); highest among the groups gnomAD compares: Middle Eastern, 0.016%; no homozygotes.

Submission:

Ambry Genetics
Classification: Uncertain significance for Inborn genetic diseases. Last evaluated: 2025-10-28. Review status: criteria provided, single submitter. Criteria: Ambry Variant Classification Scheme 2023. Collection method: clinical testing. Allele origin: germline.
Comment: The c.4772C>T (p.P1591L) alteration is located in exon 38 (coding exon 37) of the CDH23 gene. This alteration results from a C to T substitution at nucleotide position 4772, causing the proline (P) at amino acid position 1591 to be replaced by a leucine (L). Based on data from gnomAD, the T allele has an overall frequency of 0.003% (7/273236) total alleles studied. The highest observed frequency was 0.026% (5/19270) of East Asian alleles. Based on insufficient or conflicting evidence, the clinical significance of this alteration remains unclear.

NM_022124.6(CDH23):c.4772C>T (p.Pro1591Leu)

Gene: CDH23 (cadherin related 23; plus strand). Cytogenetic location: 10q22.1.
Variant type: single nucleotide variant.
Coding change: c.4772C>T on transcript NM_022124.6 (MANE Select); coding-DNA position 4772, C replaced by T.
Protein change: p.Pro1591Leu; replaces proline 1591 with leucine.
Molecular consequence: missense variant.
Genome position (GRCh38, 1-based): chr10:71,741,848, C>T. VCF-style: chr10-71741848-C-T. GRCh37 (hg19) VCF-style: chr10-73501605-C-T.
Other names: short protein forms P1591L.
Identifiers: ClinVar variation 4609438 (VCV004609438.1).